The following is an entry in ClinVar:

ClinVar aggregate classification (germline): Uncertain significance (1 of 4 stars; one submission).

Conditions:
Arginine:glycine amidinotransferase deficiency (CCDS3). Also called: Cerebral creatine deficiency syndrome 3; Creatine deficiency syndrome due to AGAT deficiency; GATM deficiency; L-Arginine:Glycine Amidinotransferase (AGAT) Deficiency; AGAT deficiency; L-Arginine:Glycine Amidinotransferase Deficiency. Identifiers: Orphanet 35704, MedGen C2675179, MONDO:0012996, OMIM 612718.

Submission:

Labcorp Genetics (formerly Invitae), Labcorp
Classification: Uncertain significance for Arginine:glycine amidinotransferase deficiency. Last evaluated: 2022-08-16. Review status: criteria provided, single submitter. Criteria: Invitae Variant Classification Sherloc (09022015). Collection method: clinical testing. Allele origin: germline.
Comment: This variant results in a copy number gain of the genomic region encompassing exon(s) 1-7 of the GATM gene. This region includes the initiator codon of the gene. This copy number gain extends beyond the assayed region for this gene and therefore may encompass additional genes. As the precise location of this event is unknown, it may be in tandem or it may be located elsewhere in the genome. This variant has not been reported in the literature in individuals affected with GATM-related conditions. Experimental studies and prediction algorithms are not available or were not evaluated, and the functional significance of this variant is currently unknown. In summary, the available evidence is currently insufficient to determine the role of this variant in disease. Therefore, it has been classified as a Variant of Uncertain Significance.

NC_000015.9:g.(?_45656975)_(45884494_?)dup

Genes: AFG2B (AAA ATPase AFG2B; plus strand), BLOC1S6 (biogenesis of lysosomal organelles complex 1 subunit 6; plus strand), COXFA4L3 (cytochrome c oxidase associated subunit FA4L3; plus strand), GATM (glycine amidinotransferase; minus strand), SLC30A4 (solute carrier family 30 member 4; minus strand). Cytogenetic location: 15q21.1.
Variant type: Duplication.
Identifiers: ClinVar variation 2424188 (VCV002424188.3).